The following is an entry in ClinVar:

NM_001376256.1(CRYM):c.662C>T (p.Ala221Val)

Gene: CRYM (crystallin mu; minus strand). Cytogenetic location: 16p12.2.
Variant type: single nucleotide variant.
Coding change: c.662C>T on transcript NM_001376256.1 (MANE Select); coding-DNA position 662, C replaced by T.
Protein change: p.Ala221Val; replaces alanine 221 with valine.
Molecular consequence: missense variant.
Genome position (GRCh38, 1-based): chr16:21,267,565, G>A on the plus strand (C>T on the coding strand, the complement: CRYM is on the minus strand). VCF-style: chr16-21267565-G-A. GRCh37 (hg19) VCF-style: chr16-21278886-G-A.
Other names: c.662C>T, p.Ala221Val (NM_001888.5); short protein forms A221V.
Identifiers: ClinVar variation 227278 (VCV000227278.4), dbSNP rs876657447, ClinGen allele CA10577001.
Genomic context (GRCh38, chr16:21,267,565, plus strand): 5'-GAGGAGCCTGGCCACCACCCATCATGCCTTATGGAGCCACTCTACTTACCATTGATGTGA[G>A]CCCCTGGCTTCACCCATTCACCAAACAAAATGGGCTCTGTTGCCAGGGTGACTGTGATGA-3'
Protein context (NP_001363185.1, residues 211-231): ILFGEWVKPG[Ala221Val]HINAVGASRP

ClinVar aggregate classification (germline): Likely benign (1 of 4 stars; one submission).

Allele frequency attached by ClinVar (database versions not stated): gnomAD exomes below 0.00001.
gnomAD v4.1: 1 of 1,613,730 alleles (0.000062%); highest among the groups gnomAD compares: Non-Finnish European, 0.000085%; no homozygotes.

Submission:

Laboratory for Molecular Medicine, Mass General Brigham Personalized Medicine
Classification: Likely benign. Last evaluated: 2015-01-20. Review status: criteria provided, single submitter. Criteria: LMM Criteria. Collection method: clinical testing. Allele origin: germline. Observed: 1 variant allele.
Comment: p.Ala221Val in exon 7 of CRYM: This variant is not expected to have clinical si gnificance because the alanine (Ala) residue at position 221 is not conserved th rough species, with alpaca and bactrian-camel having a valine (Val) at this posi tion.